The following is an entry in ClinVar:

ClinVar aggregate classification (germline): Uncertain significance. Review status: criteria provided, multiple submitters, no conflicts (2 of 4 stars). 2 submissions from 2 submitters: Uncertain significance (2). Last evaluated 2024-09-22.

Allele frequency attached by ClinVar (database versions not stated): gnomAD exomes below 0.00001 and 0.00001; ExAC 0.00001; gnomAD 0.00002; TOPMed 0.00002.
gnomAD v4.1: 5 of 1,209,323 alleles (0.00041%); highest among the groups gnomAD compares: South Asian, 0.0035%; no homozygotes.

Submissions (2):

Labcorp Genetics (formerly Invitae), Labcorp
Classification: Uncertain significance. Last evaluated: 2024-09-22. Review status: criteria provided, single submitter. Criteria: Invitae Variant Classification Sherloc (09022015). Collection method: clinical testing. Allele origin: germline.
Comment: This sequence change replaces alanine, which is neutral and non-polar, with valine, which is neutral and non-polar, at codon 287 of the POLA1 protein (p.Ala287Val). This variant is present in population databases (rs759860811, gnomAD 0.005%), including at least one homozygous and/or hemizygous individual. This variant has not been reported in the literature in individuals affected with POLA1-related conditions. ClinVar contains an entry for this variant (Variation ID: 1690864). Invitae Evidence Modeling of protein sequence and biophysical properties (such as structural, functional, and spatial information, amino acid conservation, physicochemical variation, residue mobility, and thermodynamic stability) indicates that this missense variant is not expected to disrupt POLA1 protein function with a negative predictive value of 80%. Algorithms developed to predict the effect of sequence changes on RNA splicing suggest that this variant may create or strengthen a splice site. In summary, the available evidence is currently insufficient to determine the role of this variant in disease. Therefore, it has been classified as a Variant of Uncertain Significance.

Laboratorio de Genetica e Diagnostico Molecular, Hospital Israelita Albert Einstein
Classification: Uncertain significance. Last evaluated: 2020-04-29. Review status: criteria provided, single submitter. Criteria: ACMG Guidelines, 2015. Collection method: clinical testing. Allele origin: germline. Affected: yes.
Comment: ACMG classification criteria: PM2, BP4

NM_001330360.2(POLA1):c.878C>T (p.Ala293Val)

Gene: POLA1 (DNA polymerase alpha 1, catalytic subunit; plus strand). Cytogenetic location: Xp22.11.
Variant type: single nucleotide variant.
Coding change: c.878C>T on transcript NM_001330360.2 (MANE Select); coding-DNA position 878, C replaced by T.
Protein change: p.Ala293Val; replaces alanine 293 with valine.
Molecular consequence: missense variant. On other transcripts: non-coding transcript variant (2).
Genome position (GRCh38, 1-based): chrX:24,717,461, C>T. VCF-style: chrX-24717461-C-T. GRCh37 (hg19) VCF-style: chrX-24735578-C-T.
Other names: c.860C>T, p.Ala287Val (NM_016937.4); c.878C>T, p.Ala293Val (NM_001378303.1); short protein forms A287V, A293V.
Identifiers: ClinVar variation 1690864 (VCV001690864.5), dbSNP rs759860811, ClinGen allele CA10372868.